The following is an entry in ClinVar:

ClinVar aggregate classification (germline): Conflicting classifications of pathogenicity. Review status: criteria provided, conflicting classifications (1 of 4 stars). 4 submissions from 4 submitters: Likely pathogenic (2); Uncertain significance (2). Last evaluated 2025-08-21.

Conditions:
Very long chain acyl-CoA dehydrogenase deficiency (ACADVLD). Also called: Very Long-Chain Acyl-Coenzyme A Dehydrogenase Deficiency; VLCAD Deficiency. Identifiers: Orphanet 26793, MedGen C3887523, MONDO:0008723, OMIM 201475.

gnomAD v4.1: 1 of 1,614,080 alleles (0.000062%); highest among the groups gnomAD compares: South Asian, 0.0011%; no homozygotes.

Submissions (4):

Myriad Genetics, Inc.
Classification: Likely pathogenic for Very long chain acyl-CoA dehydrogenase deficiency. Last evaluated: 2025-08-21. Review status: criteria provided, single submitter. Criteria: Myriad Autosomal Dominant, Autosomal Recessive and X-Linked Classification Criteria (2023). Collection method: clinical testing. Allele origin: unknown.
Comment: NM_000018.3(ACADVL):c.535G>A(G179R) is a missense variant classified as likely pathogenic in the context of very-long-chain acyl-CoA dehydrogenase deficiency. G179R has been observed in a case with relevant disease (PMID: 35218577). Relevant functional assessments of this variant are available in the literature (PMID: 35218577). G179R has not been observed in referenced population frequency databases. In summary, NM_000018.3(ACADVL):c.535G>A(G179R) is a missense variant that has both functional and internal structural support for pathogenicity and has been observed more frequently in cases with the relevant disease than in healthy populations. Please note: this variant was assessed in the context of healthy population screening.

Women's Health and Genetics/Laboratory Corporation of America, LabCorp
Classification: Likely pathogenic for Very long chain acyl-CoA dehydrogenase deficiency. Last evaluated: 2024-12-17. Review status: criteria provided, single submitter. Criteria: LabCorp Variant Classification Summary - May 2015. Collection method: clinical testing. Allele origin: germline.
Comment: Variant summary: ACADVL c.535G>A (p.Gly179Arg) results in a non-conservative amino acid change in the encoded protein sequence. Five of five in-silico tools predict a damaging effect of the variant on protein function. The variant was absent in 251462 control chromosomes (gnomAD). c.535G>A has been reported in the literature in newborn screening cases affected with Very Long Chain Acyl-CoA Dehydrogenase Deficiency (D'Annibale_2022). These data indicate that the variant may be associated with disease. This publication also reports experimental evidence evaluating an impact on protein function, finding that the variant results in <10% of normal enzymatic activity. The following publication has been ascertained in the context of this evaluation (PMID: 35218577). ClinVar contains an entry for this variant (Variation ID: 839572). Based on the evidence outlined above, the variant was classified as likely pathogenic.

Labcorp Genetics (formerly Invitae), Labcorp
Classification: Uncertain significance for Very long chain acyl-CoA dehydrogenase deficiency. Last evaluated: 2021-08-27. Review status: criteria provided, single submitter. Criteria: Invitae Variant Classification Sherloc (09022015). Collection method: clinical testing. Allele origin: germline.
Comment: This sequence change replaces glycine with arginine at codon 179 of the ACADVL protein (p.Gly179Arg). The glycine residue is highly conserved and there is a moderate physicochemical difference between glycine and arginine. This variant is not present in population databases (ExAC no frequency). This variant has not been reported in the literature in individuals affected with ACADVL-related conditions. Algorithms developed to predict the effect of missense changes on protein structure and function (SIFT, PolyPhen-2, Align-GVGD) all suggest that this variant is likely to be disruptive. In summary, the available evidence is currently insufficient to determine the role of this variant in disease. Therefore, it has been classified as a Variant of Uncertain Significance.

Wong Mito Lab, Molecular and Human Genetics, Baylor College of Medicine
Classification: Uncertain significance for Very long chain acyl-CoA dehydrogenase deficiency. Last evaluated: 2019-11-01. Review status: criteria provided, single submitter. Criteria: ACMG Guidelines, 2015. Collection method: clinical testing. Allele origin: germline.
Comment: The NM_000018.3:c.535G>A (NP_000009.1:p.Gly179Arg) [GRCH38: NC_000017.11:g.7221595G>A] variant in ACADVL gene is interpretated to be Uncertain Significance based on ACMG guidelines (PMID: 25741868). This variant has been reported. This variant meets the following evidence codes reported in the ACMG guidelines: PP3

Literature cited by the submitters: PubMed 35218577 (cited by Myriad Genetics, Inc. and Women's Health and Genetics/Laboratory Corporation of America, LabCorp).

NM_000018.4(ACADVL):c.535G>A (p.Gly179Arg)

Gene: ACADVL (acyl-CoA dehydrogenase very long chain; plus strand). Cytogenetic location: 17p13.1.
Variant type: single nucleotide variant.
Coding change: c.535G>A on transcript NM_000018.4 (MANE Select); coding-DNA position 535, G replaced by A.
Protein change: p.Gly179Arg; replaces glycine 179 with arginine.
Molecular consequence: missense variant.
Genome position (GRCh38, 1-based): chr17:7,221,595, G>A. VCF-style: chr17-7221595-G-A. GRCh37 (hg19) VCF-style: chr17-7124914-G-A.
Other names: c.469G>A, p.Gly157Arg (NM_001033859.3); c.604G>A, p.Gly202Arg (NM_001270447.2); c.307G>A, p.Gly103Arg (NM_001270448.2); short protein forms G157R, G103R, G179R, G202R.
Identifiers: ClinVar variation 839572 (VCV000839572.11), dbSNP rs796051909, ClinGen allele CA397723108.